The following is an entry in ClinVar:

NM_000090.4(COL3A1):c.2675C>A (p.Pro892His)

Gene: COL3A1 (collagen type III alpha 1 chain; plus strand). Cytogenetic location: 2q32.2.
Variant type: single nucleotide variant.
Coding change: c.2675C>A on transcript NM_000090.4 (MANE Select); coding-DNA position 2675, C replaced by A.
Protein change: p.Pro892His; replaces proline 892 with histidine.
Molecular consequence: missense variant.
Genome position (GRCh38, 1-based): chr2:189,003,995, C>A. VCF-style: chr2-189003995-C-A. GRCh37 (hg19) VCF-style: chr2-189868721-C-A.
Other names: short protein forms P892H.
Identifiers: ClinVar variation 3634102 (VCV003634102.2).

ClinVar aggregate classification (germline): Uncertain significance (1 of 4 stars; one submission).

Conditions:
Ehlers-Danlos syndrome, type 4 (EDSVASC). Also called: Ehlers-Danlos syndrome vascular type; Ehlers Danlos syndrome, ecchymotic type; Ehlers Danlos syndrome, arterial type; Ehlers Danlos syndrome, Sack-Barabas type; Ehlers-Danlos Syndrome Type IV. Identifiers: Orphanet 286, MedGen C0268338, MONDO:0017314, OMIM 130050.

gnomAD v4.1: 1 of 1,611,620 alleles (0.000062%); highest among the groups gnomAD compares: Admixed American, 0.0017%; no homozygotes.

Submission:

Labcorp Genetics (formerly Invitae), Labcorp
Classification: Uncertain significance for Ehlers-Danlos syndrome, type 4. Last evaluated: 2024-08-24. Review status: criteria provided, single submitter. Criteria: Invitae Variant Classification Sherloc (09022015). Collection method: clinical testing. Allele origin: germline.
Comment: This sequence change replaces proline, which is neutral and non-polar, with histidine, which is basic and polar, at codon 892 of the COL3A1 protein (p.Pro892His). This variant is not present in population databases (gnomAD no frequency). This variant has not been reported in the literature in individuals affected with COL3A1-related conditions. Invitae Evidence Modeling of protein sequence and biophysical properties (such as structural, functional, and spatial information, amino acid conservation, physicochemical variation, residue mobility, and thermodynamic stability) has been performed for this missense variant. However, the output from this modeling did not meet the statistical confidence thresholds required to predict the impact of this variant on COL3A1 protein function. In summary, the available evidence is currently insufficient to determine the role of this variant in disease. Therefore, it has been classified as a Variant of Uncertain Significance.